The following is an entry in ClinVar:

ClinVar aggregate classification (germline): Uncertain significance (1 of 4 stars; one submission).

Conditions:
Hereditary cancer-predisposing syndrome. Also called: Neoplastic Syndromes, Hereditary; Tumor predisposition; Hereditary neoplastic syndrome; Hereditary Cancer Syndrome. Identifiers: Orphanet 140162, MedGen C0027672, MeSH D009386, MONDO:0015356.

Allele frequency attached by ClinVar (database versions not stated): TOPMed below 0.00001; gnomAD 0.00001.
gnomAD v4.1: 1 of 1,613,752 alleles (0.000062%); highest among the groups gnomAD compares: Admixed American, 0.0017%; no homozygotes.

Submission:

Ambry Genetics
Classification: Uncertain significance for Hereditary cancer-predisposing syndrome. Last evaluated: 2022-11-05. Review status: criteria provided, single submitter. Criteria: Ambry Variant Classification Scheme 2023. Collection method: clinical testing. Allele origin: germline.
Comment: The p.V651M variant (also known as c.1951G>A), located in coding exon 17 of the MRE11A gene, results from a G to A substitution at nucleotide position 1951. The valine at codon 651 is replaced by methionine, an amino acid with highly similar properties. This amino acid position is conserved. In addition, this alteration is predicted to be tolerated by in silico analysis. Since supporting evidence is limited at this time, the clinical significance of this alteration remains unclear.

NM_005591.4(MRE11):c.1951G>A (p.Val651Met)

Gene: MRE11 (MRE11 double strand break repair nuclease; minus strand). Cytogenetic location: 11q21.
Variant type: single nucleotide variant.
Coding change: c.1951G>A on transcript NM_005591.4 (MANE Select); coding-DNA position 1951, G replaced by A.
Protein change: p.Val651Met; replaces valine 651 with methionine.
Molecular consequence: missense variant.
Genome position (GRCh38, 1-based): chr11:94,435,875, C>T on the plus strand (G>A on the coding strand, the complement: MRE11 is on the minus strand). VCF-style: chr11-94435875-C-T. GRCh37 (hg19) VCF-style: chr11-94169041-C-T.
Other names: c.1948G>A, p.Val650Met (NM_001330347.2); c.1867G>A, p.Val623Met (NM_005590.4); short protein forms V650M, V651M, V623M.
Identifiers: ClinVar variation 2451354 (VCV002451354.2), dbSNP rs1337788362, ClinGen allele CA382374109.